The following is an entry in ClinVar:

ClinVar aggregate classification (germline): Pathogenic. Review status: criteria provided, multiple submitters, no conflicts (2 of 4 stars). 3 submissions from 3 submitters: Pathogenic (3). Last evaluated 2026-08-25.

Conditions:
Hereditary cancer-predisposing syndrome. Also called: Tumor predisposition; Hereditary Cancer Syndrome; Hereditary neoplastic syndrome; Neoplastic Syndromes, Hereditary. Identifiers: Orphanet 140162, MedGen C0027672, MeSH D009386, MONDO:0015356.
Hereditary breast ovarian cancer syndrome. Also called: Hereditary breast and/or ovarian cancer syndrome; Hereditary breast and ovarian cancer syndrome; BRCA1- and BRCA2-Associated Hereditary Breast and Ovarian Cancer; Breast and ovarian cancer; Hereditary breast and ovarian cancer; Hereditary breast and ovarian cancer syndrome (HBOC). Identifiers: Orphanet 145, MedGen C0677776, MeSH D061325, MONDO:0003582. Disease mechanism: loss of function.

Submissions (3):

Ambry Genetics
Classification: Pathogenic for Hereditary cancer-predisposing syndrome. Last evaluated: 2026-08-25. Review status: criteria provided, single submitter. Criteria: Ambry Variant Classification Scheme 2023. Collection method: clinical testing. Allele origin: germline.
Comment: The p.L2136* pathogenic mutation (also known as c.6407T>G), located in coding exon 10 of the BRCA2 gene, results from a T to G substitution at nucleotide position 6407. This changes the amino acid from a leucine to a stop codon within coding exon 10. This variant is considered to be rare based on population cohorts in the Genome Aggregation Database (gnomAD). This alteration is expected to result in loss of function by premature protein truncation or nonsense-mediated mRNA decay. As such, this alteration is interpreted as a disease-causing mutation.

GeneDx
Classification: Pathogenic. Last evaluated: 2026-02-23. Review status: criteria provided, single submitter. Criteria: GeneDx Variant Classification Process June 2021. Collection method: clinical testing. Allele origin: germline.
Comment: Observed in individuals in large cohort studies of patients with personal and/or family history of BRCA2-related cancers; however patient specific clinical details were not specified in these studies (PMID: 33461583, 38201513, 36881271); Nonsense variant predicted to result in protein truncation or nonsense mediated decay in a gene for which loss of function is a known mechanism of disease; Not observed at significant frequency in large population cohorts (gnomAD); Truncating variants in this gene are considered pathogenic by a well-established clinical consortium and/or database; Also known as 6635T>G; This variant is associated with the following publications: (PMID: 36881271, 33461583, 38201513, Villela2022[preprint])

Labcorp Genetics (formerly Invitae), Labcorp
Classification: Pathogenic for Hereditary breast ovarian cancer syndrome. Last evaluated: 2022-09-12. Review status: criteria provided, single submitter. Criteria: Invitae Variant Classification Sherloc (09022015). Collection method: clinical testing. Allele origin: germline.
Comment: This variant has not been reported in the literature in individuals affected with BRCA2-related conditions. For these reasons, this variant has been classified as Pathogenic. ClinVar contains an entry for this variant (Variation ID: 1069756). This variant is not present in population databases (gnomAD no frequency). This sequence change creates a premature translational stop signal (p.Leu2136*) in the BRCA2 gene. It is expected to result in an absent or disrupted protein product. Loss-of-function variants in BRCA2 are known to be pathogenic (PMID: 20104584).

Literature cited by the submitters: PubMed 20104584 (cited by Labcorp Genetics (formerly Invitae), Labcorp).

NM_000059.4(BRCA2):c.6407T>G (p.Leu2136Ter)

Gene: BRCA2 (BRCA2 DNA repair associated; plus strand). Cytogenetic location: 13q13.1.
Variant type: single nucleotide variant.
Coding change: c.6407T>G on transcript NM_000059.4 (MANE Select); coding-DNA position 6407, T replaced by G.
Protein change: p.Leu2136Ter; replaces leucine 2136 with a stop codon.
Molecular consequence: nonsense.
Genome position (GRCh38, 1-based): chr13:32,340,762, T>G. VCF-style: chr13-32340762-T-G. GRCh37 (hg19) VCF-style: chr13-32914899-T-G.
Other names: c.6407T>G (NM_000059.3); short protein forms L2136*.
Identifiers: ClinVar variation 1069756 (VCV001069756.13), dbSNP rs2137527241, ClinGen allele CA387789252.